The following is an entry in ClinVar:

ClinVar aggregate classification (germline): Uncertain significance. Review status: criteria provided, multiple submitters, no conflicts (2 of 4 stars). 2 submissions from 2 submitters: Uncertain significance (2). Last evaluated 2024-02-23.

Conditions:
Hereditary cancer-predisposing syndrome. Also called: Hereditary neoplastic syndrome; Neoplastic Syndromes, Hereditary; Tumor predisposition; Hereditary Cancer Syndrome. Identifiers: Orphanet 140162, MedGen C0027672, MeSH D009386, MONDO:0015356.
Oligodontia-cancer predisposition syndrome. Also called: TOOTH AGENESIS-COLORECTAL CANCER SYNDROME. Identifiers: Orphanet 300576, MedGen C1837750, MONDO:0012075, OMIM 608615. Disease mechanism: loss of function.

Allele frequency attached by ClinVar (database versions not stated): TOPMed 0.00002.

Submissions (2):

Ambry Genetics
Classification: Uncertain significance for Hereditary cancer-predisposing syndrome. Last evaluated: 2024-02-23. Review status: criteria provided, single submitter. Criteria: Ambry Variant Classification Scheme 2023. Collection method: clinical testing. Allele origin: germline.
Comment: The p.D843H variant (also known as c.2527G>C), located in coding exon 10 of the AXIN2 gene, results from a G to C substitution at nucleotide position 2527. The aspartic acid at codon 843 is replaced by histidine, an amino acid with similar properties. This amino acid position is highly conserved in available vertebrate species. In addition, the in silico prediction for this alteration is inconclusive. Since supporting evidence is limited at this time, the clinical significance of this alteration remains unclear.

Labcorp Genetics (formerly Invitae), Labcorp
Classification: Uncertain significance for Oligodontia-cancer predisposition syndrome. Last evaluated: 2021-04-29. Review status: criteria provided, single submitter. Criteria: Invitae Variant Classification Sherloc (09022015). Collection method: clinical testing. Allele origin: germline.
Comment: This variant is not present in population databases (ExAC no frequency). This sequence change replaces aspartic acid with histidine at codon 843 of the AXIN2 protein (p.Asp843His). The aspartic acid residue is highly conserved and there is a moderate physicochemical difference between aspartic acid and histidine. This variant has not been reported in the literature in individuals with AXIN2-related disease. In summary, the available evidence is currently insufficient to determine the role of this variant in disease. Therefore, it has been classified as a Variant of Uncertain Significance. Algorithms developed to predict the effect of missense changes on protein structure and function (SIFT, PolyPhen-2, Align-GVGD) all suggest that this variant is likely to be disruptive, but these predictions have not been confirmed by published functional studies and their clinical significance is uncertain.

NM_004655.4(AXIN2):c.2527G>C (p.Asp843His)

Gene: AXIN2 (axin 2; minus strand). Cytogenetic location: 17q24.1.
Variant type: single nucleotide variant.
Coding change: c.2527G>C on transcript NM_004655.4 (MANE Select); coding-DNA position 2527, G replaced by C.
Protein change: p.Asp843His; replaces aspartic acid 843 with histidine.
Molecular consequence: missense variant.
Genome position (GRCh38, 1-based): chr17:65,529,981, C>G on the plus strand (G>C on the coding strand, the complement: AXIN2 is on the minus strand). VCF-style: chr17-65529981-C-G. GRCh37 (hg19) VCF-style: chr17-63526099-C-G.
Other names: c.2332G>C, p.Asp778His (NM_001363813.1); c.2527G>C (LRG_296t1); short protein forms D843H, D778H.
Identifiers: ClinVar variation 533160 (VCV000533160.13), dbSNP rs1249731868, ClinGen allele CA400674719.
Genomic context (GRCh38, chr17:65,529,981, plus strand): 5'-GACAGTTCACAAGAGCTTCGGGCTCCAACAGTTCACCAAAGCCAGACCCCAGGGCTCAAT[C>G]GATCCGCTCCACTTTGCCCAGAATCCGGCCTTCATACATCGGGAGCACCGTCTCATCCTC-3'
Protein context (NP_004646.3, residues 833-843): GRILGKVERI[Asp843His]